The following is an entry in ClinVar:

NM_201384.3(PLEC):c.6495G>A (p.Ala2165=)

Gene: PLEC (plectin; minus strand). Cytogenetic location: 8q24.3.
Variant type: single nucleotide variant.
Coding change: c.6495G>A on transcript NM_201384.3 (MANE Select); coding-DNA position 6495, G replaced by A.
Protein change: p.Ala2165=; no amino-acid change (alanine 2165 retained).
Molecular consequence: synonymous variant.
Genome position (GRCh38, 1-based): chr8:143,923,434, C>T on the plus strand (G>A on the coding strand, the complement: PLEC is on the minus strand). VCF-style: chr8-143923434-C-T. GRCh37 (hg19) VCF-style: chr8-144997602-C-T.
Other names: c.6576G>A (NM_000445.4); c.6576G>A, p.Ala2192= (NM_000445.5); c.6453G>A, p.Ala2151= (NM_201378.4); c.6429G>A, p.Ala2143= (NM_201379.3); c.6906G>A, p.Ala2302= (NM_201380.4); c.6399G>A, p.Ala2133= (NM_201381.3); c.6495G>A, p.Ala2165= (NM_201382.4); c.6507G>A, p.Ala2169= (NM_201383.3).
Identifiers: ClinVar variation 500627 (VCV000500627.15), dbSNP rs201462310, ClinGen allele CA4925967.

ClinVar aggregate classification (germline): Conflicting classifications of pathogenicity. Review status: criteria provided, conflicting classifications (1 of 4 stars). 4 submissions from 4 submitters: Uncertain significance (1); Likely benign (2). 1 of the submissions does not count toward it. Last evaluated 2025-12-29.

Conditions:
Epidermolysis bullosa simplex 5B, with muscular dystrophy (EBS5B). Also called: EPIDERMOLYSIS BULLOSA SIMPLEX AND LIMB-GIRDLE MUSCULAR DYSTROPHY; Epidermolysis bullosa simplex with muscular dystrophy. Identifiers: Orphanet 257, MedGen C2931072, MONDO:0009181, OMIM 226670.
Autosomal recessive limb-girdle muscular dystrophy type 2Q (LGMDR17). Also called: MUSCULAR DYSTROPHY, LIMB-GIRDLE, AUTOSOMAL RECESSIVE 17. Identifiers: Orphanet 254361, MedGen C3150989, MONDO:0013390, OMIM 613723.
Epidermolysis bullosa simplex, Ogna type (EBS5A). Also called: Pidermolysis bullosa simplex 5A, Ogna type; EPIDERMOLYSIS BULLOSA SIMPLEX 5A, OGNA TYPE. Identifiers: Orphanet 79401, MedGen C0432317, MONDO:0007555, OMIM 131950.
Epidermolysis bullosa simplex with nail dystrophy (EBS5D). Identifiers: MedGen C4225309, MONDO:0014661, OMIM 616487.
Epidermolysis bullosa simplex 5C, with pyloric atresia (EBS5C). Also called: PLEC-Related Epidermolysis Bullosa with Pyloric Atresia; Epidermolysis bullosa simplex with pyloric atresia; PLEC1-Related Epidermolysis Bullosa with Pyloric Atresia. Identifiers: Orphanet 158684, MedGen C2677349, MONDO:0012807, OMIM 612138.
PLEC-related disorder. Also called: PLEC-related condition; PLEC-related disorders.

Allele frequency attached by ClinVar (database versions not stated): gnomAD exomes 0.00008; ExAC 0.00010; ESP Exome Variant Server 0.00016; 1000 Genomes Project 0.00020; gnomAD 0.00029 and 0.00032; TOPMed 0.00029; 1000 Genomes Project 30x 0.00031.
gnomAD v4.1: 104 of 1,609,778 alleles (0.0065%); highest among the groups gnomAD compares: African/African-American, 0.083%; no homozygotes.

Submissions (4):

Labcorp Genetics (formerly Invitae), Labcorp
Classification: Likely benign for Autosomal recessive limb-girdle muscular dystrophy type 2Q; Epidermolysis bullosa simplex, Ogna type; Epidermolysis bullosa simplex with nail dystrophy; Epidermolysis bullosa simplex 5C, with pyloric atresia; Epidermolysis bullosa simplex 5B, with muscular dystrophy. Last evaluated: 2025-12-29. Review status: criteria provided, single submitter. Criteria: Invitae Variant Classification Sherloc (09022015). Collection method: clinical testing. Allele origin: germline.

Blueprint Genetics
Classification: Likely benign. Last evaluated: 2023-04-24. Review status: criteria provided, single submitter. Criteria: ACMG Guidelines, 2015. Collection method: clinical testing. Allele origin: germline.

Eurofins Ntd Llc (ga)
Classification: Uncertain significance. Last evaluated: 2017-02-28. Review status: criteria provided, single submitter. Criteria: EGL Classification Definitions 2015. Collection method: clinical testing. Allele origin: germline. Observed: 1 variant allele, 1 heterozygote.

PreventionGenetics, part of Exact Sciences
Classification: Likely benign for PLEC-related condition. Last evaluated: 2019-04-10. Review status: no assertion criteria provided. Collection method: clinical testing. Allele origin: germline. Not counted in ClinVar's aggregate classification.
Comment: This variant is classified as likely benign based on ACMG/AMP sequence variant interpretation guidelines (Richards et al. 2015 PMID: 25741868, with internal and published modifications).